The following is an entry in ClinVar:

NM_000059.4(BRCA2):c.9278del (p.Leu3093fs)

Gene: BRCA2 (BRCA2 DNA repair associated; plus strand). Cytogenetic location: 13q13.1.
Variant type: Deletion.
Coding change: c.9278del on transcript NM_000059.4 (MANE Select); coding-DNA position 9278, one base deleted (T; older notation c.9278delT).
Protein change: p.Leu3093fs; shifts the reading frame from leucine 3093.
Molecular consequence: frameshift variant.
Genome position (GRCh38, 1-based): chr13:32,394,710, T deleted; the last of 3 consecutive T bases (chr13:32,394,708-32,394,710); deleting any one gives the same sequence. VCF-style (leftmost placement, unchanged base first): chr13-32394707-AT-A. GRCh37 (hg19) VCF-style: chr13-32968844-AT-A.
Other names: c.9278delT (NM_000059.3); short protein forms L3093fs.
Identifiers: ClinVar variation 230575 (VCV000230575.5), dbSNP rs876658643, ClinGen allele CA10579823.

ClinVar aggregate classification (germline): Pathogenic. Review status: reviewed by expert panel (3 of 4 stars). 2 submissions from 2 submitters: Pathogenic (1). 1 of the submissions does not count toward it. Last evaluated 2017-12-15.

Conditions:
Hereditary cancer-predisposing syndrome. Also called: Hereditary Cancer Syndrome; Neoplastic Syndromes, Hereditary; Tumor predisposition; Hereditary neoplastic syndrome. Identifiers: Orphanet 140162, MedGen C0027672, MeSH D009386, MONDO:0015356.
Breast-ovarian cancer, familial, susceptibility to, 2 (BROVCA2). Also called: BRCA2 Hereditary Breast and Ovarian Cancer. Identifiers: Orphanet 145, MedGen C2675520, MONDO:0012933, OMIM 612555. Disease mechanism: loss of function.

Submissions (2):

Evidence-based Network for the Interpretation of Germline Mutant Alleles (ENIGMA)
Classification: Pathogenic for Breast-ovarian cancer, familial, susceptibility to, 2. Last evaluated: 2017-12-15. Review status: reviewed by expert panel. Criteria: ENIGMA BRCA1/2 Classification Criteria (2017-06-29). Collection method: curation. Allele origin: germline. Study: ENIGMA.
Comment: Variant allele predicted to encode a truncated non-functional protein.

Ambry Genetics
Classification: Pathogenic for Hereditary cancer-predisposing syndrome. Last evaluated: 2021-09-02. Review status: criteria provided, single submitter. Criteria: Ambry Variant Classification Scheme 2023. Collection method: clinical testing. Allele origin: germline. Not counted in ClinVar's aggregate classification.
Comment: The c.9278delT pathogenic mutation, located in coding exon 24 of the BRCA2 gene, results from a deletion of one nucleotide at nucleotide position 9278, causing a translational frameshift with a predicted alternate stop codon (p.L3093Cfs*11). This alteration is expected to result in loss of function by premature protein truncation or nonsense-mediated mRNA decay. As such, this alteration is interpreted as a disease-causing mutation.